The following is an entry in ClinVar:

NC_000007.13:g.(?_33185845)_(33185996_?)dup

Gene: BBS9 (Bardet-Biedl syndrome 9; plus strand). Cytogenetic location: 7p14.3.
Variant type: Duplication.
Identifiers: ClinVar variation 462942 (VCV000462942.6).

ClinVar aggregate classification (germline): Uncertain significance (1 of 4 stars; one submission).

Conditions:
Bardet-Biedl syndrome (BBS). Identifiers: Orphanet 110, MedGen C0752166, MONDO:0015229.

Submission:

Labcorp Genetics (formerly Invitae), Labcorp
Classification: Uncertain significance for Bardet-Biedl syndrome. Last evaluated: 2019-07-01. Review status: criteria provided, single submitter. Criteria: Invitae Variant Classification Sherloc (09022015). Collection method: clinical testing. Allele origin: germline.
Comment: This variant is a gross duplication of the genomic region encompassing exon 2 of the BBS9 gene, which contains the translational start site. The 5' end of this event is unknown as it extends beyond the assayed region for this gene and therefore may encompass additional genes. The 3' boundary is likely confined to intron 2 of the BBS9 gene. The exact location of this variant in the genome is unknown. This variant has not been reported in the literature in individuals with BBS9-related disease. In summary, the available evidence is currently insufficient to determine the role of this variant in disease. Therefore, it has been classified as a Variant of Uncertain Significance.